The following is an entry in ClinVar:

NM_001384732.1(CPLANE1):c.1369A>G (p.Lys457Glu)

Gene: CPLANE1 (ciliogenesis and planar polarity effector complex subunit 1; minus strand). Cytogenetic location: 5p13.2.
Variant type: single nucleotide variant.
Coding change: c.1369A>G on transcript NM_001384732.1 (MANE Select); coding-DNA position 1369, A replaced by G.
Protein change: p.Lys457Glu; replaces lysine 457 with glutamic acid.
Molecular consequence: missense variant.
Genome position (GRCh38, 1-based): chr5:37,227,570, T>C on the plus strand (A>G on the coding strand, the complement: CPLANE1 is on the minus strand). VCF-style: chr5-37227570-T-C. GRCh37 (hg19) VCF-style: chr5-37227672-T-C.
Other names: c.1369A>G, p.Lys457Glu (NM_023073.4); short protein forms K457E.
Identifiers: ClinVar variation 2012504 (VCV002012504.4), dbSNP rs2548602061, ClinGen allele CA359503986.
Genomic context (GRCh38, chr5:37,227,570, plus strand): 5'-GTTTTAAATTTGAAAAGAAAAAGGCAACTTTCCCCAATGATATAAAAAAGCACTATACCT[T>C]AGACAATATCACACTTTGATATATTTTCTCAAGCCTCTGGGTTGAATCAAGTAGAAGTGA-3'
Protein context (NP_001371661.1, residues 447-467): EKIYQSVILS[Lys457Glu]PKGKGLNLRS

ClinVar aggregate classification (germline): Uncertain significance (1 of 4 stars; one submission).

Allele frequency attached by ClinVar (database versions not stated): gnomAD exomes below 0.00001.
gnomAD v4.1: 1 of 1,549,228 alleles (0.000065%); highest among the groups gnomAD compares: Non-Finnish European, 0.000087%; no homozygotes.

Submission:

Labcorp Genetics (formerly Invitae), Labcorp
Classification: Uncertain significance. Last evaluated: 2022-06-30. Review status: criteria provided, single submitter. Criteria: Invitae Variant Classification Sherloc (09022015). Collection method: clinical testing. Allele origin: germline.
Comment: This variant is not present in population databases (gnomAD no frequency). This sequence change replaces lysine, which is basic and polar, with glutamic acid, which is acidic and polar, at codon 457 of the CPLANE1 protein (p.Lys457Glu). This variant has not been reported in the literature in individuals affected with CPLANE1-related conditions. Algorithms developed to predict the effect of missense changes on protein structure and function output the following: SIFT: "Tolerated"; PolyPhen-2: "Benign"; Align-GVGD: "Class C0". The glutamic acid amino acid residue is found in multiple mammalian species, which suggests that this missense change does not adversely affect protein function. In summary, the available evidence is currently insufficient to determine the role of this variant in disease. Therefore, it has been classified as a Variant of Uncertain Significance.